The following is an entry in ClinVar:

NM_001267550.2(TTN):c.45940A>G (p.Met15314Val)

Gene: TTN (titin; minus strand). Cytogenetic location: 2q31.2.
Variant type: single nucleotide variant.
Coding change: c.45940A>G on transcript NM_001267550.2 (MANE Select); coding-DNA position 45940, A replaced by G.
Protein change: p.Met15314Val; replaces methionine 15314 with valine.
Molecular consequence: missense variant.
Genome position (GRCh38, 1-based): chr2:178,620,581, T>C on the plus strand (A>G on the coding strand, the complement: TTN is on the minus strand). VCF-style: chr2-178620581-T-C. GRCh37 (hg19) VCF-style: chr2-179485308-T-C.
Other names: c.41017A>G, p.Met13673Val (NM_001256850.1); c.18745A>G, p.Met6249Val (NM_003319.4); c.38236A>G, p.Met12746Val (NM_133378.4); c.19120A>G, p.Met6374Val (NM_133432.3); c.19321A>G, p.Met6441Val (NM_133437.4); short protein forms M12746V, M15314V, M6249V, M6374V, M13673V, M6441V.
Identifiers: ClinVar variation 618453 (VCV000618453.9), dbSNP rs1391292606, ClinGen allele CA349630455.

ClinVar aggregate classification (germline): Uncertain significance (1 of 4 stars; one submission).

Allele frequency attached by ClinVar (database versions not stated): gnomAD 0.00003 and 0.00001; TOPMed 0.00001 and below 0.00001.

Submission:

ARUP Laboratories, Molecular Genetics and Genomics, ARUP Laboratories
Classification: Uncertain significance. Last evaluated: 2019-04-12. Review status: criteria provided, single submitter. Criteria: ARUP Molecular Germline Variant Investigation Process. Collection method: clinical testing. Allele origin: germline.
Comment: The TTN c.38236A>G; p.Met12746Val variant (rs1391292606; ClinVar Variation ID: 467170) is rare in the general population (<1% allele frequency in the Genome Aggregation Database) and has not been reported in the medical literature in association with dilated cardiomyopathy (DCM) or other TTN-related disease. The clinical relevance of rare missense variants in this gene, which are identified on average once per individual sequenced in affected populations (Herman 2012), is not well understood. Yet, evidence suggests that the vast majority of such missense variants do not contribute to the clinical outcome of DCM (Begay 2015). Thus, the clinical significance of the p.Met12746Val variant cannot be determined with certainty.